The following is an entry in ClinVar:

NM_000465.4(BARD1):c.1814C>T (p.Thr605Ile)

Gene: BARD1 (BRCA1 associated RING domain 1; minus strand). Cytogenetic location: 2q35.
Variant type: single nucleotide variant.
Coding change: c.1814C>T on transcript NM_000465.4 (MANE Select); coding-DNA position 1814, C replaced by T.
Protein change: p.Thr605Ile; replaces threonine 605 with isoleucine.
Molecular consequence: missense variant. On other transcripts: non-coding transcript variant (3), intron variant (1).
Genome position (GRCh38, 1-based): chr2:214,745,156, G>A on the plus strand (C>T on the coding strand, the complement: BARD1 is on the minus strand). VCF-style: chr2-214745156-G-A. GRCh37 (hg19) VCF-style: chr2-215609880-G-A.
Other names: c.1757C>T, p.Thr586Ile (NM_001282543.2); c.461C>T, p.Thr154Ile (NM_001282545.2); c.404C>T, p.Thr135Ile (NM_001282548.2); c.365-14648C>T (NM_001282549.2); c.1814C>T (NM_000465.2); short protein forms T135I, T605I, T586I, T154I.
Identifiers: ClinVar variation 958493 (VCV000958493.13), dbSNP rs752292843, ClinGen allele CA350452373.
Genomic context (GRCh38, chr2:214,745,156, plus strand): 5'-AGAATCCCAAGCATACACTTCAAGGTACTTTGAACTGCATCACCAGGAACAACAACATGA[G>A]TTACTAAAATACAAAAAAAGCAGTAAGAGAAAGAAAGATACAAGCCAAAGTATTTCTTTG-3'
Protein context (NP_000456.2, residues 595-615): KKYTEFDSTV[Thr605Ile]HVVVPGDAVQ

ClinVar aggregate classification (germline): Uncertain significance. Review status: criteria provided, multiple submitters, no conflicts (2 of 4 stars). 3 submissions from 3 submitters: Uncertain significance (3). Last evaluated 2024-03-29.

Conditions:
Hereditary cancer-predisposing syndrome. Also called: Tumor predisposition; Hereditary neoplastic syndrome; Neoplastic Syndromes, Hereditary; Hereditary Cancer Syndrome. Identifiers: Orphanet 140162, MedGen C0027672, MeSH D009386, MONDO:0015356.
Familial cancer of breast. Also called: BREAST CANCER, FAMILIAL; Hereditary breast cancer; hereditary breast carcinoma. Identifiers: Orphanet 227535, MedGen C0346153, MONDO:0016419, OMIM 114480. Disease mechanism: loss of function.

Submissions (3):

Baylor Genetics
Classification: Uncertain significance for Familial cancer of breast. Last evaluated: 2024-03-29. Review status: criteria provided, single submitter. Criteria: ACMG Guidelines, 2015. Collection method: clinical testing. Allele origin: unknown.

Labcorp Genetics (formerly Invitae), Labcorp
Classification: Uncertain significance for Familial cancer of breast. Last evaluated: 2023-07-31. Review status: criteria provided, single submitter. Criteria: Invitae Variant Classification Sherloc (09022015). Collection method: clinical testing. Allele origin: germline.
Comment: In summary, the available evidence is currently insufficient to determine the role of this variant in disease. Therefore, it has been classified as a Variant of Uncertain Significance. An algorithm developed to predict the effect of missense changes on protein structure and function (PolyPhen-2) suggests that this variant is likely to be disruptive. ClinVar contains an entry for this variant (Variation ID: 958493). This variant has not been reported in the literature in individuals affected with BARD1-related conditions. This variant is not present in population databases (gnomAD no frequency). This sequence change replaces threonine, which is neutral and polar, with isoleucine, which is neutral and non-polar, at codon 605 of the BARD1 protein (p.Thr605Ile).

Ambry Genetics
Classification: Uncertain significance for Hereditary cancer-predisposing syndrome. Last evaluated: 2023-03-16. Review status: criteria provided, single submitter. Criteria: Ambry Variant Classification Scheme 2023. Collection method: clinical testing. Allele origin: germline.
Comment: The p.T605I variant (also known as c.1814C>T), located in coding exon 9 of the BARD1 gene, results from a C to T substitution at nucleotide position 1814. The threonine at codon 605 is replaced by isoleucine, an amino acid with similar properties. This amino acid position is highly conserved in available vertebrate species. In addition, the in silico prediction for this alteration is inconclusive. Since supporting evidence is limited at this time, the clinical significance of this alteration remains unclear.